The following is an entry in ClinVar:

ClinVar aggregate classification (germline): Uncertain significance (1 of 4 stars; one submission).

Conditions:
Neuropathy, hereditary sensory and autonomic, type 1C. Also called: HSAN IC; HSN IC. Identifiers: Orphanet 36386, MedGen C3150896, MONDO:0013337, OMIM 613640.

gnomAD v4.1: 4 of 1,613,902 alleles (0.00025%); highest among the groups gnomAD compares: Non-Finnish European, 0.00034%; no homozygotes.

Submission:

Labcorp Genetics (formerly Invitae), Labcorp
Classification: Uncertain significance for Neuropathy, hereditary sensory and autonomic, type 1C. Last evaluated: 2024-03-16. Review status: criteria provided, single submitter. Criteria: Invitae Variant Classification Sherloc (09022015). Collection method: clinical testing. Allele origin: germline.
Comment: This sequence change replaces valine, which is neutral and non-polar, with alanine, which is neutral and non-polar, at codon 359 of the SPTLC2 protein (p.Val359Ala). This variant is present in population databases (rs757648891, gnomAD 0.002%). This variant has not been reported in the literature in individuals affected with SPTLC2-related conditions. Advanced modeling of protein sequence and biophysical properties (such as structural, functional, and spatial information, amino acid conservation, physicochemical variation, residue mobility, and thermodynamic stability) performed at Invitae indicates that this missense variant is not expected to disrupt SPTLC2 protein function with a negative predictive value of 80%. In summary, the available evidence is currently insufficient to determine the role of this variant in disease. Therefore, it has been classified as a Variant of Uncertain Significance.

NM_004863.4(SPTLC2):c.1076T>C (p.Val359Ala)

Gene: SPTLC2 (serine palmitoyltransferase long chain base subunit 2; minus strand). Cytogenetic location: 14q24.3.
Variant type: single nucleotide variant.
Coding change: c.1076T>C on transcript NM_004863.4 (MANE Select); coding-DNA position 1076, T replaced by C.
Protein change: p.Val359Ala; replaces valine 359 with alanine.
Molecular consequence: missense variant.
Genome position (GRCh38, 1-based): chr14:77,555,400, A>G on the plus strand (T>C on the coding strand, the complement: SPTLC2 is on the minus strand). VCF-style: chr14-77555400-A-G. GRCh37 (hg19) VCF-style: chr14-78021743-A-G.
Other names: short protein forms V359A.
Identifiers: ClinVar variation 3675370 (VCV003675370.2).